The following is an entry in ClinVar:

ClinVar aggregate classification (germline): Uncertain significance (1 of 4 stars; one submission).

Conditions:
Alpha-methylacyl-CoA racemase deficiency (AMACRD). Also called: AMACR deficiency. Identifiers: Orphanet 79095, MedGen C3280428, MONDO:0013681, OMIM 614307. Disease mechanism: loss of function.

Allele frequency attached by ClinVar (database versions not stated): gnomAD exomes below 0.00001 and 0.00001; ExAC 0.00001; gnomAD 0.00001; 1000 Genomes Project 0.00020; 1000 Genomes Project 30x 0.00031.
gnomAD v4.1: 6 of 1,614,174 alleles (0.00037%); highest among the groups gnomAD compares: Admixed American, 0.0033%; no homozygotes.

Submission:

Labcorp Genetics (formerly Invitae), Labcorp
Classification: Uncertain significance for Alpha-methylacyl-CoA racemase deficiency. Last evaluated: 2022-06-05. Review status: criteria provided, single submitter. Criteria: Invitae Variant Classification Sherloc (09022015). Collection method: clinical testing. Allele origin: germline.
Comment: This sequence change replaces alanine, which is neutral and non-polar, with proline, which is neutral and non-polar, at codon 276 of the AMACR protein (p.Ala276Pro). This variant is present in population databases (rs200687238, gnomAD 0.003%). This variant has not been reported in the literature in individuals affected with AMACR-related conditions. ClinVar contains an entry for this variant (Variation ID: 1464550). Algorithms developed to predict the effect of missense changes on protein structure and function are either unavailable or do not agree on the potential impact of this missense change (SIFT: "Tolerated"; PolyPhen-2: "Possibly Damaging"; Align-GVGD: "Class C0"). In summary, the available evidence is currently insufficient to determine the role of this variant in disease. Therefore, it has been classified as a Variant of Uncertain Significance.

NM_014324.6(AMACR):c.826G>C (p.Ala276Pro)

Genes: C1QTNF3-AMACR (C1QTNF3-AMACR readthrough (NMD candidate); minus strand), AMACR (alpha-methylacyl-CoA racemase; minus strand). Cytogenetic location: 5p13.2.
Variant type: single nucleotide variant.
Coding change: c.826G>C on transcript NM_014324.6 (MANE Select); coding-DNA position 826, G replaced by C.
Protein change: p.Ala276Pro; replaces alanine 276 with proline.
Molecular consequence: missense variant. On other transcripts: non-coding transcript variant (1), 3 prime UTR variant (1).
Genome position (GRCh38, 1-based): chr5:33,989,416, C>G on the plus strand (G>C on the coding strand, the complement: AMACR is on the minus strand). VCF-style: chr5-33989416-C-G. GRCh37 (hg19) VCF-style: chr5-33989521-C-G.
Other names: c.826G>C, p.Ala276Pro (NM_001167595.2); c.*68G>C (NM_203382.3); short protein forms A276P.
Identifiers: ClinVar variation 1464550 (VCV001464550.6), dbSNP rs200687238, ClinGen allele CA3226015.